The following is an entry in ClinVar:

ClinVar aggregate classification (germline): Uncertain significance (1 of 4 stars; one submission).

gnomAD v4.1: 49 of 1,613,912 alleles (0.003%); highest among the groups gnomAD compares: East Asian, 0.08%; no homozygotes.

Submission:

Labcorp Genetics (formerly Invitae), Labcorp
Classification: Uncertain significance. Last evaluated: 2025-11-30. Review status: criteria provided, single submitter. Criteria: Invitae Variant Classification Sherloc (09022015). Collection method: clinical testing. Allele origin: germline.
Comment: This sequence change replaces alanine, which is neutral and non-polar, with threonine, which is neutral and polar, at codon 692 of the ATP8A2 protein (p.Ala692Thr). This variant is present in population databases (rs369685449, gnomAD 0.1%). This variant has not been reported in the literature in individuals affected with ATP8A2-related conditions. Invitae Evidence Modeling of protein sequence and biophysical properties (such as structural, functional, and spatial information, amino acid conservation, physicochemical variation, residue mobility, and thermodynamic stability) indicates that this missense variant is not expected to disrupt ATP8A2 protein function with a negative predictive value of 80%. In summary, the available evidence is currently insufficient to determine the role of this variant in disease. Therefore, it has been classified as a Variant of Uncertain Significance.

NM_016529.6(ATP8A2):c.2074G>A (p.Ala692Thr)

Gene: ATP8A2 (ATPase phospholipid transporting 8A2). Cytogenetic location: 13q12.13.
Variant type: single nucleotide variant.
Coding change: c.2074G>A on transcript NM_016529.6 (MANE Select); coding-DNA position 2074, G replaced by A.
Protein change: p.Ala692Thr; replaces alanine 692 with threonine.
Molecular consequence: missense variant.
Genome position (GRCh38, 1-based): chr13:25,581,885, G>A. VCF-style: chr13-25581885-G-A. GRCh37 (hg19) VCF-style: chr13-26156023-G-A.
Other names: c.1954G>A, p.Ala652Thr (NM_001313741.1); c.2074G>A, p.Ala692Thr (NM_001411005.1, NM_001411006.1); short protein forms A692T, A652T.
Identifiers: ClinVar variation 4692809 (VCV004692809.1).